The following is an entry in ClinVar:

ClinVar aggregate classification (germline): Uncertain significance. Review status: criteria provided, multiple submitters, no conflicts (2 of 4 stars). 2 submissions from 2 submitters: Uncertain significance (2). Last evaluated 2026-04-16.

Conditions:
Intellectual developmental disorder, X-linked 106. Also called: Mental retardation, X-linked 106; Intellectual disability, X-linked 106. Identifiers: MedGen C4478379, MONDO:0030907, OMIM 300997.

Submissions (2):

GeneDx
Classification: Uncertain significance. Last evaluated: 2026-04-16. Review status: criteria provided, single submitter. Criteria: GeneDx Variant Classification Process June 2021. Collection method: clinical testing. Allele origin: germline.
Comment: Not observed at significant frequency in large population cohorts (gnomAD); In silico analysis supports that this missense variant has a deleterious effect on protein structure/function; Has not been previously published as pathogenic or benign to our knowledge

Baylor Genetics
Classification: Uncertain significance for Intellectual developmental disorder, X-linked 106. Last evaluated: 2022-10-24. Review status: criteria provided, single submitter. Criteria: ACMG Guidelines, 2015. Collection method: clinical testing. Allele origin: unknown.

NM_181672.3(OGT):c.1357C>G (p.Arg453Gly)

Gene: OGT (O-linked N-acetylglucosamine (GlcNAc) transferase; plus strand). Cytogenetic location: Xq13.1.
Variant type: single nucleotide variant.
Coding change: c.1357C>G on transcript NM_181672.3 (MANE Select); coding-DNA position 1357, C replaced by G.
Protein change: p.Arg453Gly; replaces arginine 453 with glycine.
Molecular consequence: missense variant.
Genome position (GRCh38, 1-based): chrX:71,557,231, C>G. VCF-style: chrX-71557231-C-G. GRCh37 (hg19) VCF-style: chrX-70777081-C-G.
Other names: c.1327C>G, p.Arg443Gly (NM_181673.3); short protein forms R443G, R453G.
Identifiers: ClinVar variation 2441772 (VCV002441772.2), dbSNP rs763636681, ClinGen allele CA413552567.